The following is an entry in ClinVar:

ClinVar aggregate classification (germline): Uncertain significance (1 of 4 stars; one submission).

Conditions:
Tumor predisposition syndrome 3 (TPDS3). Also called: Melanoma, cutaneous malignant, susceptibility to, 10; Glioma susceptibility 9; LONG TELOMERE SYNDROME, POT1-RELATED; POT1 Tumor Predisposition. Identifiers: Orphanet 618, MedGen C4014476, MONDO:0014368, OMIM 615848.

Allele frequency attached by ClinVar (database versions not stated): gnomAD 0.00001.
gnomAD v4.1: 1 of 1,611,586 alleles (0.000062%); highest among the groups gnomAD compares: East Asian, 0.0022%; no homozygotes.

Submission:

Labcorp Genetics (formerly Invitae), Labcorp
Classification: Uncertain significance for Tumor predisposition syndrome 3. Last evaluated: 2021-08-09. Review status: criteria provided, single submitter. Criteria: Invitae Variant Classification Sherloc (09022015). Collection method: clinical testing. Allele origin: germline.
Comment: This sequence change replaces phenylalanine with serine at codon 263 of the POT1 protein (p.Phe263Ser). The phenylalanine residue is highly conserved and there is a large physicochemical difference between phenylalanine and serine. This variant is not present in population databases (ExAC no frequency). This variant has not been reported in the literature in individuals affected with POT1-related conditions. Algorithms developed to predict the effect of missense changes on protein structure and function (SIFT, PolyPhen-2, Align-GVGD) all suggest that this variant is likely to be disruptive. In summary, the available evidence is currently insufficient to determine the role of this variant in disease. Therefore, it has been classified as a Variant of Uncertain Significance.

NM_015450.3(POT1):c.788T>C (p.Phe263Ser)

Gene: POT1 (protection of telomeres 1; minus strand). Cytogenetic location: 7q31.33.
Variant type: single nucleotide variant.
Coding change: c.788T>C on transcript NM_015450.3 (MANE Select); coding-DNA position 788, T replaced by C.
Protein change: p.Phe263Ser; replaces phenylalanine 263 with serine.
Molecular consequence: missense variant. On other transcripts: non-coding transcript variant (3).
Genome position (GRCh38, 1-based): chr7:124,853,053, A>G on the plus strand (T>C on the coding strand, the complement: POT1 is on the minus strand). VCF-style: chr7-124853053-A-G. GRCh37 (hg19) VCF-style: chr7-124493107-A-G.
Other names: c.395T>C, p.Phe132Ser (NM_001042594.2); short protein forms F132S, F263S.
Identifiers: ClinVar variation 1373834 (VCV001373834.6), dbSNP rs2116504855, ClinGen allele CA369055455.